The following is an entry in ClinVar:

NM_018226.6(RNPEPL1):c.724G>A (p.Glu242Lys)

Gene: RNPEPL1 (arginyl aminopeptidase like 1; plus strand). Cytogenetic location: 2q37.3.
Variant type: single nucleotide variant.
Coding change: c.724G>A on transcript NM_018226.6 (MANE Select); coding-DNA position 724, G replaced by A.
Protein change: p.Glu242Lys; replaces glutamic acid 242 with lysine.
Molecular consequence: missense variant.
Genome position (GRCh38, 1-based): chr2:240,573,164, G>A. VCF-style: chr2-240573164-G-A. GRCh37 (hg19) VCF-style: chr2-241512581-G-A.
Other names: short protein forms E242K.
Identifiers: ClinVar variation 2652091 (VCV002652091.24), dbSNP rs112339259, ClinGen allele CA2204867.
Genomic context (GRCh38, chr2:240,573,164, plus strand): 5'-TTACAGGCGCCATCGGGGGTGCAGGTGCTGATGAGTGCCACCCGGAGTGCATACATGGAG[G>A]AAGAAGGCGTCTTCCACTTCCACATGGAGCACCCCGTGCCCGCCTACCTCGTGGCCCTGG-3'
Protein context (NP_060696.4, residues 232-252): MSATRSAYME[Glu242Lys]EGVFHFHMEH

ClinVar aggregate classification (germline): Benign (1 of 4 stars; one submission).

Allele frequency attached by ClinVar (database versions not stated): 1000 Genomes Project 0.00379; 1000 Genomes Project 30x 0.00390; TOPMed 0.00830; ESP Exome Variant Server 0.00839; gnomAD 0.00892; gnomAD exomes 0.01021; ExAC 0.01279.
gnomAD v4.1: 16,254 of 1,609,092 alleles (1%); highest among the groups gnomAD compares: Middle Eastern, 1.3%; 120 homozygotes.

Submission:

CeGaT Center for Human Genetics Tuebingen
Classification: Benign. Last evaluated: 2023-01-01. Review status: criteria provided, single submitter. Criteria: CeGaT Center For Human Genetics Tuebingen Variant Classification Criteria Version 2. Collection method: clinical testing. Allele origin: germline. Affected: yes. Observed: 1 variant allele.
Comment: RNPEPL1: BP4, BS1, BS2